The following is an entry in ClinVar:

NM_001009944.3(PKD1):c.5830G>A (p.Gly1944Arg)

Gene: PKD1 (polycystin 1, transient receptor potential channel interacting; minus strand). Cytogenetic location: 16p13.3.
Variant type: single nucleotide variant.
Coding change: c.5830G>A on transcript NM_001009944.3 (MANE Select); coding-DNA position 5830, G replaced by A.
Protein change: p.Gly1944Arg; replaces glycine 1944 with arginine.
Molecular consequence: missense variant.
Genome position (GRCh38, 1-based): chr16:2,109,337, C>T on the plus strand (G>A on the coding strand, the complement: PKD1 is on the minus strand). VCF-style: chr16-2109337-C-T. GRCh37 (hg19) VCF-style: chr16-2159338-C-T.
Other names: c.5830G>A, p.Gly1944Arg (NM_000296.4); short protein forms G1944R.
Identifiers: ClinVar variation 447990 (VCV000447990.7), dbSNP rs200001471, ClinGen allele CA7831837.
Genomic context (GRCh38, chr16:2,109,337, plus strand): 5'-GCACCTGCGCCTGGGCCCAGCTCACGTGGTTTTTGCCCCGCACGCTCACCACGTGGTCTC[C>T]GACGCGGGGGAAGCTGTGGGAGAAACGGGGCCCGGGGAGCACCTCGGGGTTGGCCCCGCC-3'
Protein context (NP_001009944.3, residues 1934-1954): PRFSHSFPRV[Gly1944Arg]DHVVSVRGKN

ClinVar aggregate classification (germline): Conflicting classifications of pathogenicity. Review status: criteria provided, conflicting classifications (1 of 4 stars). 8 submissions from 8 submitters: Uncertain significance (7); Likely benign (1). Last evaluated 2026-09-17.

Conditions:
PKD1-related disorder. Also called: PKD1-related condition.
Polycystic kidney disease, adult type (PKD1). Also called: Polycystic Kidney Disease 1, Autosomal Dominant; Polycystic kidney disease 1; Polycystic kidney disease 1, severe; POLYCYSTIC KIDNEY DISEASE 1 WITH OR WITHOUT POLYCYSTIC LIVER DISEASE; POLYCYSTIC KIDNEY DISEASE, ADULT, TYPE I; Polycystic Kidney, Autosomal Dominant. Identifiers: MedGen C3149841, MONDO:0008263, OMIM 173900.

Allele frequency attached by ClinVar (database versions not stated): ESP Exome Variant Server 0.00008; gnomAD 0.00016 and 0.00015; gnomAD exomes 0.00018; TOPMed 0.00017; ExAC 0.00021.
gnomAD v4.1: 280 of 1,590,506 alleles (0.018%); highest among the groups gnomAD compares: Non-Finnish European, 0.022%; 1 homozygote.

Submissions (8):

PreventionGenetics, part of Exact Sciences
Classification: Uncertain significance for PKD1-related condition. Last evaluated: 2026-09-17. Review status: criteria provided, single submitter. Criteria: ACMG Guidelines, 2015. Collection method: clinical testing. Allele origin: germline.
Comment: The PKD1 c.5830G>A variant is predicted to result in the amino acid substitution p.Gly1944Arg. This variant has been reported to be an “ultra-low penetrant (ULP) allele” with a typical pathogenic (full penetrance) variant in a patient with very early onset polycystic kidney disease (VEO-PKD) (Cornec-Le Gall et al. 2018. PubMed ID: 29038287; Audrézet et al. 2016. PubMed ID: 26139440). In addition, this variant was also reported with another PKD1 missense variant in an individual with autosomal dominant polycystic kidney disease (ADPKD) (Carrera et al. 2016. PubMed ID: 27499327). Notably, this variant was also identified in three presumably unrelated cases with VEO-PKD, each alongside another PKD1 variant (two cases involved a pathogenic or likely pathogenic variant, while one involved a rare, undocumented missense substitution) at PreventionGenetics (internal data). This variant is listed as a variant of uncertain significance (VUS) in an ADPKD-specific variant database. This variant was also reported in an individual with spontaneous coronary artery dissection (SCAD) (Carss et al. 2020. PubMed ID: 33125268). This variant is reported in 0.030% of alleles in individuals of European (non-Finnish) descent in gnomAD. We classify this variant as a likely hypomorphic allele within the category of variants of uncertain significance (VUS) in our internal variant database.

GeneDx
Classification: Uncertain significance. Last evaluated: 2026-08-18. Review status: criteria provided, single submitter. Criteria: GeneDx Variant Classification Process June 2021. Collection method: clinical testing. Allele origin: germline.
Comment: Observed with a second PKD1 variant in patients with polycystic kidney disease referred for genetic testing at GeneDx and in published literature (PMID: 27499327, 26139440); In silico analysis supports that this missense variant has a deleterious effect on protein structure/function; This variant is associated with the following publications: (PMID: Izzi_2020_abstract, 33125268, 27499327, 26139440, 35497784, 41292648)

Women's Health and Genetics/Laboratory Corporation of America, LabCorp
Classification: Uncertain significance. Last evaluated: 2026-01-05. Review status: criteria provided, single submitter. Criteria: LabCorp Variant Classification Summary - May 2015. Collection method: clinical testing. Allele origin: germline.
Comment: Variant summary: PKD1 c.5830G>A (p.Gly1944Arg) results in a non-conservative amino acid change in the encoded protein sequence. Algorithms developed to predict the effect of missense changes on protein structure and function all suggest that this variant is likely to be disruptive. The variant allele was found at a frequency of 0.00018 in 229354 control chromosomes (gnomAD). This frequency is not significantly higher than estimated for disease-causing variants in PKD1, allowing no conclusion about variant significance. c.5830G>A has been observed as a putative hypomorphic allele in a prenatal individual affected with PKD1-Biallelic Autosomal Recessive Polycystic Kidney Disease (Audrezet_2015). These data do not allow any conclusion about variant significance. To our knowledge, no experimental evidence demonstrating an impact on protein function has been reported. The following publications have been ascertained in the context of this evaluation (PMID: 27499327, 26139440, 35497784, 39883360). ClinVar contains an entry for this variant (Variation ID: 447990). Based on the evidence outlined above, the variant was classified as uncertain significance.

Genetic Services Laboratory, University of Chicago
Classification: Uncertain significance. Last evaluated: 2025-06-18. Review status: criteria provided, single submitter. Criteria: ACMG Guidelines, 2015. Collection method: clinical testing. Allele origin: germline.
Comment: The c.5830G>A variant: Results in an amino acid change, p.Gly1944Arg. Has been reported in an individual with PKD1-related disorder; however, this individual was also found to have a co-occurring pathogenic variant in PKD1 (p.Ala3053Thr) (PMID: 27499327). Is reported in the gnomAD v4 database with a frequency of 0.02% in the non-Finnish European subpopulation (dbSNP rs200001471). This variant has also been identified in the homozygous state in 1 individual in the gnomAD v4 database. Affects a moderately conserved amino acid residue located in a domain of the PKD1 protein that is known to be functional. Appears to be deleterious using several in-silico pathogenicity prediction tools. ClinVar contains an entry for this variant (Variation ID: 447990). Due to insufficient evidence and the lack of functional studies, the clinical significance of the p.Gly1944Arg variant remains unknown at this time.

Blueprint Genetics
Classification: Likely benign. Last evaluated: 2024-06-12. Review status: criteria provided, single submitter. Criteria: ACMG Guidelines, 2015. Collection method: clinical testing. Allele origin: germline.

Department of Pathology and Laboratory Medicine, Sinai Health System
Classification: Uncertain significance for Polycystic kidney disease, adult type. Last evaluated: 2019-12-12. Review status: criteria provided, single submitter. Criteria: ACMG Guidelines, 2015. Collection method: clinical testing. Allele origin: germline. Affected: yes.

Athena Diagnostics
Classification: Uncertain significance. Last evaluated: 2017-03-23. Review status: criteria provided, single submitter. Criteria: Athena Diagnostics Criteria. Collection method: clinical testing. Allele origin: germline.

Neuberg Centre For Genomic Medicine, NCGM
Classification: Uncertain significance for Polycystic kidney disease, adult type. Review status: criteria provided, single submitter. Criteria: ACMG Guidelines, 2015. Collection method: clinical testing. Allele origin: germline. Inheritance: Autosomal dominant inheritance. Affected: yes.
Comment: The missense variant c.5830G>A (p.Gly1944Arg) in PKD1 gene has not been reported previously as a pathogenic variant nor as a benign variant, to our knowledge. This variant has been reported to the ClinVar database as Uncertain Significance. The p.Gly1944Arg variant is novel (not in any individuals) in 1000 Genomes and allele frequency of 0.01764% is reported in gnomAD. The amino acid Gly at position 1944 is changed to a Arg changing protein sequence and it might alter its composition and physico-chemical properties. The variant is predicted to be damaging by both SIFT and PolyPhen2. The residue is conserved across species. The amino acid change p.Gly1944Arg in PKD1 is predicted as conserved by GERP++ and PhyloP across 100 vertebrates. For these reasons, this variant has been classified as Uncertain Significance .

Literature cited by the submitters: PubMed 26139440 (cited by Women's Health and Genetics/Laboratory Corporation of America, LabCorp); PubMed 27499327 (cited by 3 submitters); PubMed 35497784 (cited by Women's Health and Genetics/Laboratory Corporation of America, LabCorp); PubMed 39883360 (cited by Women's Health and Genetics/Laboratory Corporation of America, LabCorp).